The following is an entry in ClinVar:

NM_021072.4(HCN1):c.2427C>T (p.Gly809=)

Gene: HCN1 (hyperpolarization activated cyclic nucleotide gated potassium channel 1; minus strand). Cytogenetic location: 5p12.
Variant type: single nucleotide variant.
Coding change: c.2427C>T on transcript NM_021072.4 (MANE Select); coding-DNA position 2427, C replaced by T.
Protein change: p.Gly809=; no amino-acid change (glycine 809 retained).
Molecular consequence: synonymous variant.
Genome position (GRCh38, 1-based): chr5:45,262,167, G>A on the plus strand (C>T on the coding strand, the complement: HCN1 is on the minus strand). VCF-style: chr5-45262167-G-A. GRCh37 (hg19) VCF-style: chr5-45262269-G-A.
Identifiers: ClinVar variation 530421 (VCV000530421.10), dbSNP rs774013410, ClinGen allele CA3259113.
Genomic context (GRCh38, chr5:45,262,167, plus strand): 5'-TGCCTGAAGGCCCGTTCCGGGGACCGCCGTCACGGGTTGAGGGATGGAGGCCAGGGACTC[G>A]CCCACAGTGGGATGAGGTCTGGAAATCAGAGTGGACACCTCATGGGGCAGCGAGGGCTGC-3'
Protein context (NP_066550.2, residues 799-819): TLISRPHPTV[Gly809=]ESLASIPQPV

ClinVar aggregate classification (germline): Likely benign. Review status: criteria provided, multiple submitters, no conflicts (2 of 4 stars). 2 submissions from 2 submitters: Likely benign (2). Last evaluated 2026-05-05.

Conditions:
Early-infantile DEE. Also called: Ohtahara syndrome; Early infantile epileptic encephalopathy with suppression bursts; Early infantile epileptic encephalopathy. Identifiers: Orphanet 1934, MedGen C0393706, MONDO:0800491.

Allele frequency attached by ClinVar (database versions not stated): TOPMed 0.00001; gnomAD 0.00001; ExAC 0.00002.
gnomAD v4.1: 11 of 1,613,804 alleles (0.00068%); highest among the groups gnomAD compares: Non-Finnish European, 0.00085%; no homozygotes.

Submissions (2):

Women's Health and Genetics/Laboratory Corporation of America, LabCorp
Classification: Likely benign. Last evaluated: 2026-05-05. Review status: criteria provided, single submitter. Criteria: LabCorp Variant Classification Summary - May 2015. Collection method: clinical testing. Allele origin: germline.
Comment: Variant summary: HCN1 c.2427C>T alters a conserved nucleotide resulting in a synonymous change. Consensus agreement among computation tools predict no significant impact on normal splicing. However, these predictions have yet to be confirmed by functional studies. The variant allele was found at a frequency of 4e-06 in 250706 control chromosomes. The available data on variant occurrences in the general population are insufficient to allow any conclusion about variant significance. To our knowledge, no occurrence of c.2427C>T in individuals affected with HCN1-related conditions and no experimental evidence demonstrating its impact on protein function have been reported. ClinVar contains an entry for this variant (Variation ID: 530421). Based on the evidence outlined above, the variant was classified as likely benign.

Labcorp Genetics (formerly Invitae), Labcorp
Classification: Likely benign for Early-infantile DEE. Last evaluated: 2025-04-17. Review status: criteria provided, single submitter. Criteria: Invitae Variant Classification Sherloc (09022015). Collection method: clinical testing. Allele origin: germline.